The following is an entry in ClinVar:

ClinVar aggregate classification (germline): Pathogenic (1 of 4 stars; one submission).

Conditions:
Inborn genetic diseases. Identifiers: MedGen C0950123, MeSH D030342.

Submission:

Ambry Genetics
Classification: Pathogenic for Inborn genetic diseases. Last evaluated: 2021-08-03. Review status: criteria provided, single submitter. Criteria: Ambry Variant Classification Scheme 2023. Collection method: clinical testing. Allele origin: germline.
Comment: The c.3937C>T (p.Q1313*) alteration, located in exon 28 (coding exon 28) of the RALGAPA1 gene, consists of a C to T substitution at nucleotide position 3937. This changes the amino acid from a glutamine (Q) to a stop codon at amino acid position 1313. This alteration is expected to result in loss of function by premature protein truncation or nonsense-mediated mRNA decay. Based on the available evidence, this alteration is classified as pathogenic.

NM_001346249.2(RALGAPA1):c.5455C>T (p.Gln1819Ter)

Gene: RALGAPA1 (Ral GTPase activating protein catalytic subunit alpha 1; minus strand). Cytogenetic location: 14q13.2.
Variant type: single nucleotide variant.
Coding change: c.5455C>T on transcript NM_001346249.2 (MANE Select); coding-DNA position 5455, C replaced by T.
Protein change: p.Gln1819Ter; replaces glutamine 1819 with a stop codon.
Molecular consequence: nonsense.
Genome position (GRCh38, 1-based): chr14:35,655,848, G>A on the plus strand (C>T on the coding strand, the complement: RALGAPA1 is on the minus strand). VCF-style: chr14-35655848-G-A. GRCh37 (hg19) VCF-style: chr14-36125054-G-A.
Other names: c.3976C>T, p.Gln1326Ter (NM_001283043.3); c.4078C>T, p.Gln1360Ter (NM_001283044.3, NM_001346245.2, NM_001346247.2); c.5314C>T, p.Gln1772Ter (NM_001330075.3, NM_001346248.2); c.3937C>T, p.Gln1313Ter (NM_001346243.2, NM_001346246.2, NM_014990.3 and 1 more transcripts); short protein forms Q1313*, Q1819*, Q1360*, Q1772*, Q1326*.
Identifiers: ClinVar variation 2233678 (VCV002233678.2), dbSNP rs2550073107, ClinGen allele CA389455901.
Genomic context (GRCh38, chr14:35,655,848, plus strand): 5'-ACTAAACAGTTTTCTTTACCTTTAAGGAAACACAAATCACATTCAGAGCTTCCTTAATTT[G>A]AGGATGATGAGACTCATGGACTAGTTCTTCACAAATCCAAATACCTAAACTACAAAGTGC-3'